The following is an entry in ClinVar:

ClinVar aggregate classification (germline): Uncertain significance. Review status: criteria provided, multiple submitters, no conflicts (2 of 4 stars). 3 submissions from 3 submitters: Uncertain significance (3). Last evaluated 2024-12-09.

Conditions:
Inborn genetic diseases. Identifiers: MedGen C0950123, MeSH D030342.

Allele frequency attached by ClinVar (database versions not stated): ExAC 0.00001; gnomAD exomes 0.00001; gnomAD 0.00004 and 0.00005; TOPMed 0.00014.
gnomAD v4.1: 28 of 1,613,618 alleles (0.0017%); highest among the groups gnomAD compares: Middle Eastern, 0.049%; no homozygotes.

Submissions (3):

Labcorp Genetics (formerly Invitae), Labcorp
Classification: Uncertain significance. Last evaluated: 2024-12-09. Review status: criteria provided, single submitter. Criteria: Invitae Variant Classification Sherloc (09022015). Collection method: clinical testing. Allele origin: germline.
Comment: This sequence change replaces histidine, which is basic and polar, with arginine, which is basic and polar, at codon 1497 of the NBAS protein (p.His1497Arg). This variant is present in population databases (rs748537968, gnomAD 0.003%). This variant has not been reported in the literature in individuals affected with NBAS-related conditions. ClinVar contains an entry for this variant (Variation ID: 1525060). Invitae Evidence Modeling of protein sequence and biophysical properties (such as structural, functional, and spatial information, amino acid conservation, physicochemical variation, residue mobility, and thermodynamic stability) indicates that this missense variant is not expected to disrupt NBAS protein function with a negative predictive value of 95%. In summary, the available evidence is currently insufficient to determine the role of this variant in disease. Therefore, it has been classified as a Variant of Uncertain Significance.

Ambry Genetics
Classification: Uncertain significance for Inborn genetic diseases. Last evaluated: 2024-02-21. Review status: criteria provided, single submitter. Criteria: Ambry Variant Classification Scheme 2023. Collection method: clinical testing. Allele origin: germline.

Breakthrough Genomics
Classification: Uncertain significance. Review status: criteria provided, single submitter. Criteria: ACMG Guidelines, 2015. Collection method: not provided. Allele origin: germline. Inheritance: Autosomal recessive inheritance. Affected: yes.

NM_015909.4(NBAS):c.4490A>G (p.His1497Arg)

Gene: NBAS (NBAS subunit of NRZ tethering complex; minus strand). Cytogenetic location: 2p24.3.
Variant type: single nucleotide variant.
Coding change: c.4490A>G on transcript NM_015909.4 (MANE Select); coding-DNA position 4490, A replaced by G.
Protein change: p.His1497Arg; replaces histidine 1497 with arginine.
Molecular consequence: missense variant. On other transcripts: non-coding transcript variant (1).
Genome position (GRCh38, 1-based): chr2:15,327,842, T>C on the plus strand (A>G on the coding strand, the complement: NBAS is on the minus strand). VCF-style: chr2-15327842-T-C. GRCh37 (hg19) VCF-style: chr2-15467966-T-C.
Other names: c.4490A>G (NM_015909.2); short protein forms H1497R.
Identifiers: ClinVar variation 1525060 (VCV001525060.6), dbSNP rs748537968, ClinGen allele CA1535623.